The following is an entry in ClinVar:

NM_000069.3(CACNA1S):c.3256C>A (p.Arg1086Ser)

Gene: CACNA1S (calcium voltage-gated channel subunit alpha1 S; minus strand). Cytogenetic location: 1q32.1.
Variant type: single nucleotide variant.
Coding change: c.3256C>A on transcript NM_000069.3 (MANE Select); coding-DNA position 3256, C replaced by A.
Protein change: p.Arg1086Ser; replaces arginine 1086 with serine.
Molecular consequence: missense variant.
Genome position (GRCh38, 1-based): chr1:201,060,816, G>T on the plus strand (C>A on the coding strand, the complement: CACNA1S is on the minus strand). VCF-style: chr1-201060816-G-T. GRCh37 (hg19) VCF-style: chr1-201029944-G-T.
Other names: short protein forms R1086S.
Identifiers: ClinVar variation 156288 (VCV000156288.42), dbSNP rs80338782, ClinGen allele CA004036.

ClinVar aggregate classification (germline): Likely pathogenic. Review status: criteria provided, multiple submitters, no conflicts (2 of 4 stars). 5 submissions from 5 submitters: Likely pathogenic (3). 2 of the submissions do not count toward it. Last evaluated 2024-06-19.

Conditions:
Hypokalemic periodic paralysis, type 1. Also called: HypoPP; Hypokalemic Periodic Paralysis Type 1 (AD). Identifiers: Orphanet 681, MedGen C3714580, MONDO:0042979, OMIM 170400.
Thyrotoxic periodic paralysis, susceptibility to, 1 (TTPP1). Identifiers: Orphanet 79102, MedGen C2749982, MONDO:0008570, OMIM 188580.
Congenital myopathy 18. Also called: Myopathy, congenital, due to dihydropyridine receptor defect; DIHYDROPYRIDINE RECEPTOR CONGENITAL MYOPATHY; DHPR CONGENITAL MYOPATHY. Identifiers: MedGen C5830283, MONDO:0859514, OMIM 620246.
Malignant hyperthermia, susceptibility to, 5 (MHS5). Also called: CACNA1S-Related Malignant Hyperthermia Susceptibility. Identifiers: Orphanet 423, MedGen C1866077, MONDO:0011163, OMIM 601887.
Malignant hyperthermia of anesthesia. Also called: Anesthesic-triggered malignant hyperthermia. Identifiers: Orphanet 423, MedGen C0024591, MONDO:0018493, HP:0034733.

Allele frequency attached by ClinVar (database versions not stated): 1000 Genomes Project 0.00020; 1000 Genomes Project 30x 0.00031.
gnomAD v4.1: 30 of 1,614,144 alleles (0.0019%); highest among the groups gnomAD compares: South Asian, 0.032%; 1 homozygote.

Submissions (5):

Fulgent Genetics
Classification: Likely pathogenic for Hypokalemic periodic paralysis, type 1; Thyrotoxic periodic paralysis, susceptibility to, 1; Malignant hyperthermia, susceptibility to, 5; Congenital myopathy 18. Last evaluated: 2024-06-19. Review status: criteria provided, single submitter. Criteria: ACMG Guidelines, 2015. Collection method: clinical testing. Allele origin: germline.

Laboratory for Molecular Medicine, Mass General Brigham Personalized Medicine
Classification: Likely pathogenic for Malignant hyperthermia of anesthesia. Last evaluated: 2022-06-14. Review status: criteria provided, single submitter. Criteria: ACMG Guidelines, 2015. Collection method: clinical testing. Allele origin: germline. Inheritance: Autosomal dominant inheritance.
Comment: The p.Arg1086Ser variant in CACNA1S has been reported in three individuals with malignant hyperthermia susceptibility (Toppin 2010 PMID: 20431982, Miller 2018 PMID: 30236257). It has also been identified in 0.016% (5/30616) of South Asian chromosomes by gnomAD. This variant has also been reported in ClinVar (Variation ID 156288). Computational prediction tools and conservation analysis suggest that this variant may impact the protein, though this information is not predictive enough to determine pathogenicity. Another variant involving this codon (p.Arg1086His) has been identified in individuals with malignant hyperthermia susceptibility and is classified as "drug response" by the Pharcogenomics Knowledge Base (PharmGKB) expert panel. In summary, although additional studies are required to fully establish its clinical significance, the p.Arg1086Ser variant is likely pathogenic for autosomal dominant malignant hyperthermia susceptibility. ACMG/AMP Criteria applied: PM5, PM2_Supporting, PP3, PS4_Moderate.

CeGaT Center for Human Genetics Tuebingen
Classification: Likely pathogenic. Last evaluated: 2020-09-01. Review status: criteria provided, single submitter. Criteria: CeGaT Center For Human Genetics Tuebingen Variant Classification Criteria Version 2. Collection method: clinical testing. Allele origin: germline. Affected: yes. Observed: 2 variant alleles.

ClinVar Staff, National Center for Biotechnology Information (NCBI)
No classification provided. Review status: no classification provided. Collection method: not provided. Allele origin: germline. Not counted in ClinVar's aggregate classification.

Hong-Tao Li Lab, Institute of Brain Science and Brain-inspired Research, Shandong First Medical University & Shandong Academy of Medical Sciences China
Classification: Pathogenic for Thyrotoxic periodic paralysis, susceptibility to, 1. Review status: no assertion criteria provided. Collection method: research. Allele origin: germline. Inheritance: Autosomal dominant inheritance. Affected: yes. Observed: 1 variant allele, 1 heterozygote. Not counted in ClinVar's aggregate classification.
Comment: Observed in affected individuals from a Pakistani neurodevelopmental-disorder research cohort of 263 individuals. Classification assigned using the ACMG/AMP framework. Population-frequency evidence: gnomAD AF 2.386e-05.

Literature cited by the submitters: PubMed 20431982 (cited by Laboratory for Molecular Medicine, Mass General Brigham Personalized Medicine); PubMed 26332594 (cited by Laboratory for Molecular Medicine, Mass General Brigham Personalized Medicine); PubMed 30236257 (cited by Laboratory for Molecular Medicine, Mass General Brigham Personalized Medicine).